The following is an entry in ClinVar:

NM_006329.4(FBLN5):c.605G>A (p.Gly202Glu)

Gene: FBLN5 (fibulin 5; minus strand). Cytogenetic location: 14q32.12.
Variant type: single nucleotide variant.
Coding change: c.605G>A on transcript NM_006329.4 (MANE Select); coding-DNA position 605, G replaced by A.
Protein change: p.Gly202Glu; replaces glycine 202 with glutamic acid.
Molecular consequence: missense variant.
Genome position (GRCh38, 1-based): chr14:91,891,235, C>T on the plus strand (G>A on the coding strand, the complement: FBLN5 is on the minus strand). VCF-style: chr14-91891235-C-T. GRCh37 (hg19) VCF-style: chr14-92357579-C-T.
Other names: c.728G>A, p.Gly243Glu (NM_001384158.1); c.656G>A, p.Gly219Glu (NM_001384159.1); c.605G>A, p.Gly202Glu (NM_001384160.1); c.437G>A, p.Gly146Glu (NM_001384161.1, NM_001384162.1); short protein forms G202E, G243E, G219E, G146E.
Identifiers: ClinVar variation 1947180 (VCV001947180.5), dbSNP rs137901671, ClinGen allele CA265599581.
Genomic context (GRCh38, chr14:91,891,235, plus strand): 5'-AGCTAGTGTCTCACATCATGTCCAAGTTATCATGCACGTCACATACCTTGGCAAGACCTT[C>T]CATCCTCATTGAGGGTAAAACCAGGGTTGCATGTACAAGAATAGGATCCAGGAACATTCG-3'
Protein context (NP_006320.2, residues 192-212): CNPGFTLNED[Gly202Glu]RSCQDVNECA

ClinVar aggregate classification (germline): Uncertain significance (1 of 4 stars; one submission).

Allele frequency attached by ClinVar (database versions not stated): gnomAD exomes below 0.00001; TOPMed below 0.00001; ESP Exome Variant Server 0.00008.

Submission:

Labcorp Genetics (formerly Invitae), Labcorp
Classification: Uncertain significance. Last evaluated: 2024-10-22. Review status: criteria provided, single submitter. Criteria: Invitae Variant Classification Sherloc (09022015). Collection method: clinical testing. Allele origin: germline.
Comment: This sequence change replaces glycine, which is neutral and non-polar, with glutamic acid, which is acidic and polar, at codon 202 of the FBLN5 protein (p.Gly202Glu). This variant is not present in population databases (gnomAD no frequency). This variant has not been reported in the literature in individuals affected with FBLN5-related conditions. ClinVar contains an entry for this variant (Variation ID: 1947180). Invitae Evidence Modeling of protein sequence and biophysical properties (such as structural, functional, and spatial information, amino acid conservation, physicochemical variation, residue mobility, and thermodynamic stability) indicates that this missense variant is not expected to disrupt FBLN5 protein function with a negative predictive value of 80%. In summary, the available evidence is currently insufficient to determine the role of this variant in disease. Therefore, it has been classified as a Variant of Uncertain Significance.